The following is an entry in ClinVar:

NM_017849.4(TMEM127):c.212T>C (p.Val71Ala)

Gene: TMEM127 (transmembrane protein 127; minus strand). Cytogenetic location: 2q11.2.
Variant type: single nucleotide variant.
Coding change: c.212T>C on transcript NM_017849.4 (MANE Select); coding-DNA position 212, T replaced by C.
Protein change: p.Val71Ala; replaces valine 71 with alanine.
Molecular consequence: missense variant. On other transcripts: intron variant (1).
Genome position (GRCh38, 1-based): chr2:96,265,170, A>G on the plus strand (T>C on the coding strand, the complement: TMEM127 is on the minus strand). VCF-style: chr2-96265170-A-G. GRCh37 (hg19) VCF-style: chr2-96930908-A-G.
Other names: c.-9+699T>C (NM_001407283.1); c.212T>C, p.Val71Ala (NM_001193304.3); short protein forms V71A.
Identifiers: ClinVar variation 2582981 (VCV002582981.25), dbSNP rs1553437719, ClinGen allele CA347655886.

ClinVar aggregate classification (germline): Uncertain significance (1 of 4 stars; one submission).

Submission:

CeGaT Center for Human Genetics Tuebingen
Classification: Uncertain significance. Last evaluated: 2023-09-01. Review status: criteria provided, single submitter. Criteria: CeGaT Center For Human Genetics Tuebingen Variant Classification Criteria Version 2. Collection method: clinical testing. Allele origin: germline. Affected: yes. Observed: 1 variant allele.
Comment: TMEM127: PM2